The following is an entry in ClinVar:

NM_152383.5(DIS3L2):c.43A>G (p.Thr15Ala)

Gene: DIS3L2 (DIS3 like 3'-5' exoribonuclease 2; plus strand). Cytogenetic location: 2q37.1.
Variant type: single nucleotide variant.
Coding change: c.43A>G on transcript NM_152383.5 (MANE Select); coding-DNA position 43, A replaced by G.
Protein change: p.Thr15Ala; replaces threonine 15 with alanine.
Molecular consequence: missense variant. On other transcripts: non-coding transcript variant (2).
Genome position (GRCh38, 1-based): chr2:232,014,970, A>G. VCF-style: chr2-232014970-A-G. GRCh37 (hg19) VCF-style: chr2-232879680-A-G.
Other names: c.43A>G, p.Thr15Ala (NM_001257281.2, NM_001257282.2); short protein forms T15A.
Identifiers: ClinVar variation 575993 (VCV000575993.8), dbSNP rs1559542316, ClinGen allele CA351151105.

ClinVar aggregate classification (germline): Uncertain significance (1 of 4 stars; one submission).

Conditions:
Perlman syndrome (PRLMNS). Identifiers: Orphanet 2849, MedGen C0796113, MONDO:0009965, OMIM 267000.

Submission:

Labcorp Genetics (formerly Invitae), Labcorp
Classification: Uncertain significance for Perlman syndrome. Last evaluated: 2018-05-15. Review status: criteria provided, single submitter. Criteria: Invitae Variant Classification Sherloc (09022015). Collection method: clinical testing. Allele origin: germline.
Comment: This variant has not been reported in the literature in individuals with DIS3L2-related disease. This sequence change replaces threonine with alanine at codon 15 of the DIS3L2 protein (p.Thr15Ala). The threonine residue is weakly conserved and there is a small physicochemical difference between threonine and alanine. This variant is not present in population databases (ExAC no frequency). Algorithms developed to predict the effect of missense changes on protein structure and function output the following: SIFT: "Tolerated"; PolyPhen-2: "Benign"; Align-GVGD: "Class C0". The alanine amino acid residue is found in multiple mammalian species, suggesting that this missense change does not adversely affect protein function. These predictions have not been confirmed by published functional studies and their clinical significance is uncertain. In summary, the available evidence is currently insufficient to determine the role of this variant in disease. Therefore, it has been classified as a Variant of Uncertain Significance.